The following is an entry in ClinVar:

NM_000551.4(VHL):c.593T>C (p.Leu198Pro)

Genes: VHL (von Hippel-Lindau tumor suppressor; plus strand), LOC107303340 (3p25 von Hippel-Lindau tumor suppressor, E3 ubiquitin protein ligase Alu-mediated recombination region; plus strand). Cytogenetic location: 3p25.3.
Variant type: single nucleotide variant.
Coding change: c.593T>C on transcript NM_000551.4 (MANE Select); coding-DNA position 593, T replaced by C.
Protein change: p.Leu198Pro; replaces leucine 198 with proline.
Molecular consequence: missense variant. On other transcripts: 3 prime UTR variant (1).
Genome position (GRCh38, 1-based): chr3:10,149,916, T>C. VCF-style: chr3-10149916-T-C. GRCh37 (hg19) VCF-style: chr3-10191600-T-C.
Other names: c.*147T>C (NM_001354723.2); c.470T>C, p.Leu157Pro (NM_198156.3); short protein forms L198P, L157P.
Identifiers: ClinVar variation 223235 (VCV000223235.14), dbSNP rs869025667, ClinGen allele CA357145.

ClinVar aggregate classification (germline): Pathogenic/Likely pathogenic. Review status: criteria provided, multiple submitters, no conflicts (2 of 4 stars). 4 submissions from 4 submitters: Pathogenic (1); Likely pathogenic (1). 2 of the submissions do not count toward it. Last evaluated 2025-06-17.

Conditions:
Hereditary cancer-predisposing syndrome. Also called: Tumor predisposition; Hereditary neoplastic syndrome; Neoplastic Syndromes, Hereditary; Hereditary Cancer Syndrome. Identifiers: Orphanet 140162, MedGen C0027672, MeSH D009386, MONDO:0015356.
Von Hippel-Lindau syndrome (VHLS). Also called: Von Hippel-Lindau; von Hippel–Lindau syndrome; VHL syndrome. Identifiers: Orphanet 892, MedGen C0019562, MONDO:0008667, OMIM 193300. Disease mechanism: loss of function.

Submissions (4):

Ambry Genetics
Classification: Pathogenic for Hereditary cancer-predisposing syndrome. Last evaluated: 2025-06-17. Review status: criteria provided, single submitter. Criteria: Ambry Variant Classification Scheme 2023. Collection method: clinical testing. Allele origin: germline.
Comment: The p.L198P pathogenic mutation (also known as c.593T>C), located in coding exon 3 of the VHL gene, results from a T to C substitution at nucleotide position 593. The leucine at codon 198 is replaced by proline, an amino acid with similar properties. This variant was reported in individual(s) with features consistent with von Hippel-Lindau (Lomte N et al. Fam Cancer. 2018 Jul;17(3):441-449; Tsoy UA et al. Neuroendocrinology, 2025 Nov;115:381-401). This variant was determined to be functionally deleterious in one saturation genome editing assay (Buckley M et al. Nat Genet, 2024 Jul;56:1446-1455). This variant was not reported in population-based cohorts in the Genome Aggregation Database (gnomAD). Based on internal structural analysis, this variant is anticipated to result in a significant decrease in structural stability (Ambry internal data). This amino acid position is well conserved in available vertebrate species. In addition, this alteration is predicted to be deleterious by in silico analysis. Based on the supporting evidence, this variant is interpreted as a disease-causing mutation.

Genetic Services Laboratory, University of Chicago
Classification: Likely pathogenic for von Hippel-Lindau syndrome. Last evaluated: 2016-12-30. Review status: criteria provided, single submitter. Criteria: ACMG Guidelines, 2015. Collection method: clinical testing. Allele origin: germline. Affected: yes.

Clinical Genomics Labs, University Health Network
Classification: Uncertain significance for Von Hippel-Lindau syndrome. Last evaluated: 2019-08-20. Review status: no assertion criteria provided. Criteria: ACMG Guidelines, 2015. Collection method: clinical testing. Allele origin: germline. Not counted in ClinVar's aggregate classification.

Genomic Diagnostic Laboratory, Division of Genomic Diagnostics, Children's Hospital of Philadelphia
Classification: Likely pathogenic for Von Hippel-Lindau syndrome. Last evaluated: 2016-02-26. Review status: no assertion criteria provided. Collection method: clinical testing. Allele origin: germline. Affected: yes. Observed: 1 variant allele. Not counted in ClinVar's aggregate classification.

Literature cited by the submitters: PubMed 38969834 (cited by Ambry Genetics); PubMed 39536727 (cited by Ambry Genetics).